The following is an entry in ClinVar:

ClinVar aggregate classification (germline): Conflicting classifications of pathogenicity. Review status: criteria provided, conflicting classifications (1 of 4 stars). 3 submissions from 3 submitters: Uncertain significance (2); Likely benign (1). Last evaluated 2025-04-21.

Conditions:
Inborn genetic diseases. Identifiers: MedGen C0950123, MeSH D030342.

Allele frequency attached by ClinVar (database versions not stated): gnomAD 0.00002; TOPMed 0.00002; gnomAD exomes 0.00004; ExAC 0.00005; ESP Exome Variant Server 0.00008.
gnomAD v4.1: 51 of 1,612,698 alleles (0.0032%); highest among the groups gnomAD compares: East Asian, 0.022%; no homozygotes.

Submissions (3):

Labcorp Genetics (formerly Invitae), Labcorp
Classification: Uncertain significance. Last evaluated: 2025-04-21. Review status: criteria provided, single submitter. Criteria: Invitae Variant Classification Sherloc (09022015). Collection method: clinical testing. Allele origin: germline.
Comment: This sequence change replaces arginine, which is basic and polar, with glutamine, which is neutral and polar, at codon 1618 of the PTPN23 protein (p.Arg1618Gln). This variant is present in population databases (rs368990224, gnomAD 0.03%). This variant has not been reported in the literature in individuals affected with PTPN23-related conditions. ClinVar contains an entry for this variant (Variation ID: 1367867). An algorithm developed to predict the effect of missense changes on protein structure and function outputs the following: PolyPhen-2: "Not Available". The glutamine amino acid residue is found in multiple mammalian species, which suggests that this missense change does not adversely affect protein function. In summary, the available evidence is currently insufficient to determine the role of this variant in disease. Therefore, it has been classified as a Variant of Uncertain Significance.

CeGaT Center for Human Genetics Tuebingen
Classification: Uncertain significance. Last evaluated: 2024-11-01. Review status: criteria provided, single submitter. Criteria: CeGaT Center For Human Genetics Tuebingen Variant Classification Criteria Version 2. Collection method: clinical testing. Allele origin: germline. Affected: yes. Observed: 1 variant allele.
Comment: PTPN23: PM2, BP4

Ambry Genetics
Classification: Likely benign for Inborn genetic diseases. Last evaluated: 2023-12-21. Review status: criteria provided, single submitter. Criteria: Ambry Variant Classification Scheme 2023. Collection method: clinical testing. Allele origin: germline.

NM_015466.4(PTPN23):c.4853G>A (p.Arg1618Gln)

Gene: PTPN23 (protein tyrosine phosphatase non-receptor type 23; plus strand). Cytogenetic location: 3p21.31.
Variant type: single nucleotide variant.
Coding change: c.4853G>A on transcript NM_015466.4 (MANE Select); coding-DNA position 4853, G replaced by A.
Protein change: p.Arg1618Gln; replaces arginine 1618 with glutamine.
Molecular consequence: missense variant.
Genome position (GRCh38, 1-based): chr3:47,413,127, G>A. VCF-style: chr3-47413127-G-A. GRCh37 (hg19) VCF-style: chr3-47454617-G-A.
Other names: c.4853G>A (NM_015466.2); c.4475G>A, p.Arg1492Gln (NM_001304482.2); short protein forms R1618Q, R1492Q.
Identifiers: ClinVar variation 1367867 (VCV001367867.19), dbSNP rs368990224, ClinGen allele CA2366728.